The following is an entry in ClinVar:

ClinVar aggregate classification (germline): Likely pathogenic. Review status: criteria provided, multiple submitters, no conflicts (2 of 4 stars). 2 submissions from 2 submitters: Likely pathogenic (2). Last evaluated 2016-09-09.

Conditions:
Jeune thoracic dystrophy. Also called: Short-rib thoracic dysplasia; Jeune syndrome; Infantile thoracic dystrophy; Thoracic pelvic phalangeal dystrophy; Jeune's syndrome; Chondroectodermal dysplasia-like syndrome. Identifiers: Orphanet 474, MedGen C0265275, MONDO:0018770.

Allele frequency attached by ClinVar (database versions not stated): gnomAD 0.00001; gnomAD exomes below 0.00001; TOPMed below 0.00001.
gnomAD v4.1: 2 of 1,591,416 alleles (0.00013%); highest among the groups gnomAD compares: Non-Finnish European, 0.000086%; no homozygotes.

Submissions (2):

GeneDx
Classification: Likely pathogenic. Last evaluated: 2016-09-09. Review status: criteria provided, single submitter. Criteria: GeneDx Variant Classification (06012015). Collection method: clinical testing. Allele origin: germline. Affected: yes.
Comment: A novel c.9841-2 A>G likely pathogenic variant was identified in the DYNC2H1 gene. It has not been published as a pathogenic variant, nor has it been reported as a benign variant to our knowledge. The c.9841-2 A>G splice site variant destroys the canonical splice acceptor site in intron 64. It is predicted to cause abnormal gene splicing, either leading to an abnormal message that is subject to nonsense-mediated mRNA decay, or to an abnormal protein product if the message is used for protein translation. The c.9841-2 A>G variant was not observed in approximately 5800 individuals of European and African American ancestry in the NHLBI Exome Sequencing Project, indicating it is not a common benign variant in these populations. This substitution occurs at a position that is conserved across species. Therefore, this variant is likely pathogenic.

Labcorp Genetics (formerly Invitae), Labcorp
Classification: Likely pathogenic for Jeune thoracic dystrophy. Last evaluated: 2015-07-09. Review status: criteria provided, single submitter. Criteria: Invitae Variant Classification Sherloc (09022015). Collection method: clinical testing. Allele origin: germline.
Comment: This sequence change affects an acceptor splice site in intron 64. It is expected to disrupt mRNA splicing and likely results in an absent or disrupted protein product. While this particular variant has not been reported in the literature, truncating variants in DYNC2H1 are known to be pathogenic (PMID: 22499340, 23339108). For these reasons, this variant has been classified as Likely Pathogenic.

NM_001377.3(DYNC2H1):c.9820-2A>G

Gene: DYNC2H1 (dynein cytoplasmic 2 heavy chain 1; plus strand). Cytogenetic location: 11q22.3.
Variant type: single nucleotide variant.
Coding change: c.9820-2A>G on transcript NM_001377.3 (MANE Select); the canonical splice acceptor site of the intron before coding-DNA position 9820, A replaced by G.
Molecular consequence: splice acceptor variant.
Genome position (GRCh38, 1-based): chr11:103,243,691, A>G. VCF-style: chr11-103243691-A-G. GRCh37 (hg19) VCF-style: chr11-103114420-A-G.
Other names: c.9841-2A>G (NM_001080463.2).
Identifiers: ClinVar variation 219478 (VCV000219478.2), dbSNP rs864622111, ClinGen allele CA350533.